The following is an entry in ClinVar:

NM_001212.4(C1QBP):c.206G>T (p.Cys69Phe)

Genes: C1QBP (complement C1q binding protein; minus strand), LOC130060074 (ATAC-STARR-seq lymphoblastoid silent region 8069; plus strand). Cytogenetic location: 17p13.2.
Variant type: single nucleotide variant.
Coding change: c.206G>T on transcript NM_001212.4 (MANE Select); coding-DNA position 206, G replaced by T.
Protein change: p.Cys69Phe; replaces cysteine 69 with phenylalanine.
Molecular consequence: missense variant.
Genome position (GRCh38, 1-based): chr17:5,438,868, C>A on the plus strand (G>T on the coding strand, the complement: C1QBP is on the minus strand). VCF-style: chr17-5438868-C-A. GRCh37 (hg19) VCF-style: chr17-5342188-C-A.
Other names: short protein forms C69F.
Identifiers: ClinVar variation 2133073 (VCV002133073.4), dbSNP rs2507771176, ClinGen allele CA397373740.

ClinVar aggregate classification (germline): Uncertain significance (1 of 4 stars; one submission).

Submission:

Labcorp Genetics (formerly Invitae), Labcorp
Classification: Uncertain significance. Last evaluated: 2022-05-03. Review status: criteria provided, single submitter. Criteria: Invitae Variant Classification Sherloc (09022015). Collection method: clinical testing. Allele origin: germline.
Comment: Algorithms developed to predict the effect of missense changes on protein structure and function are either unavailable or do not agree on the potential impact of this missense change (SIFT: "Deleterious"; PolyPhen-2: "Possibly Damaging"; Align-GVGD: "Class C0"). In summary, the available evidence is currently insufficient to determine the role of this variant in disease. Therefore, it has been classified as a Variant of Uncertain Significance. This variant has not been reported in the literature in individuals affected with C1QBP-related conditions. This variant is not present in population databases (gnomAD no frequency). This sequence change replaces cysteine, which is neutral and slightly polar, with phenylalanine, which is neutral and non-polar, at codon 69 of the C1QBP protein (p.Cys69Phe).